The following is an entry in ClinVar:

ClinVar aggregate classification (germline): Likely benign (1 of 4 stars; one submission).

Allele frequency attached by ClinVar (database versions not stated): TOPMed 0.00019; ExAC 0.00023; gnomAD 0.00025; gnomAD exomes 0.00025.
gnomAD v4.1: 394 of 1,547,766 alleles (0.025%); highest among the groups gnomAD compares: Non-Finnish European, 0.022%; 1 homozygote.

Submission:

CeGaT Center for Human Genetics Tuebingen
Classification: Likely benign. Last evaluated: 2024-01-01. Review status: criteria provided, single submitter. Criteria: CeGaT Center For Human Genetics Tuebingen Variant Classification Criteria Version 2. Collection method: clinical testing. Allele origin: germline. Affected: yes. Observed: 1 variant allele.
Comment: RGS7: BP4, BP7

NM_001364886.1(RGS7):c.1464G>A (p.Leu488=)

Gene: RGS7 (regulator of G protein signaling 7; minus strand). Cytogenetic location: 1q43.
Variant type: single nucleotide variant.
Coding change: c.1464G>A on transcript NM_001364886.1 (MANE Select); coding-DNA position 1464, G replaced by A.
Protein change: p.Leu488=; no amino-acid change (leucine 488 retained).
Molecular consequence: synonymous variant. On other transcripts: intron variant (10).
Genome position (GRCh38, 1-based): chr1:240,800,671, C>T on the plus strand (G>A on the coding strand, the complement: RGS7 is on the minus strand). VCF-style: chr1-240800671-C-T. GRCh37 (hg19) VCF-style: chr1-240963971-C-T.
Other names: c.1080+2233G>A (NM_001374809.1); c.1308+2233G>A (NM_001374807.1); c.1359+2233G>A (NM_001282778.2); c.1413+784G>A (NM_002924.6); c.1281+2233G>A (NM_001350115.2, NM_001350116.1); c.1251G>A, p.Leu417= (NM_001282773.2); c.1410G>A, p.Leu470= (NM_001282775.2); c.1332G>A, p.Leu444= (NM_001350113.2, NM_001350114.2, NM_001374808.1); and 8 more.
Identifiers: ClinVar variation 3025043 (VCV003025043.22), dbSNP rs199591879, ClinGen allele CA1477927.